The following is an entry in ClinVar:

ClinVar aggregate classification (germline): Conflicting classifications of pathogenicity. Review status: criteria provided, conflicting classifications (1 of 4 stars). 7 submissions from 7 submitters: Uncertain significance (5); Likely benign (1). 1 of the submissions does not count toward it. Last evaluated 2026-02-13.

Conditions:
Hereditary cancer-predisposing syndrome. Also called: Neoplastic Syndromes, Hereditary; Hereditary Cancer Syndrome; Tumor predisposition; Hereditary neoplastic syndrome. Identifiers: Orphanet 140162, MedGen C0027672, MeSH D009386, MONDO:0015356.
Ataxia-telangiectasia syndrome (AT). Also called: LOUIS-BAR SYNDROME; Cerebello-oculocutaneous telangiectasia; Immunodeficiency with ataxia telangiectasia; Ataxia-telangiectasia, complementation group D; AT, COMPLEMENTATION GROUP C; Ataxia-telangiectasia, complementation group E. Identifiers: Orphanet 100, MedGen C0004135, MONDO:0008840, OMIM 208900.

gnomAD v4.1: 17 of 1,600,882 alleles (0.0011%); highest among the groups gnomAD compares: South Asian, 0.019%; no homozygotes.

Submissions (7):

Ambry Genetics
Classification: Likely benign for Hereditary cancer-predisposing syndrome. Last evaluated: 2026-02-13. Review status: criteria provided, single submitter. Criteria: Ambry Variant Classification Scheme 2023. Collection method: clinical testing. Allele origin: germline.

GeneDx
Classification: Uncertain significance. Last evaluated: 2025-08-14. Review status: criteria provided, single submitter. Criteria: GeneDx Variant Classification Process June 2021. Collection method: clinical testing. Allele origin: germline. Affected: yes.
Comment: In silico analysis suggests that this missense variant does not alter protein structure/function; Has not been previously published as pathogenic or benign to our knowledge; This variant is associated with the following publications: (PMID: 23532176)

Center for Genomic Medicine, Rigshospitalet, Copenhagen University Hospital
Classification: Uncertain significance. Last evaluated: 2025-03-04. Review status: criteria provided, single submitter. Criteria: ACMG Guidelines, 2015. Collection method: clinical testing. Allele origin: germline.

Labcorp Genetics (formerly Invitae), Labcorp
Classification: Uncertain significance for Ataxia-telangiectasia syndrome. Last evaluated: 2025-01-05. Review status: criteria provided, single submitter. Criteria: Invitae Variant Classification Sherloc (09022015). Collection method: clinical testing. Allele origin: germline.
Comment: This sequence change replaces valine, which is neutral and non-polar, with leucine, which is neutral and non-polar, at codon 2115 of the ATM protein (p.Val2115Leu). This variant is present in population databases (rs587780634, gnomAD 0.02%). This variant has not been reported in the literature in individuals affected with ATM-related conditions. ClinVar contains an entry for this variant (Variation ID: 407461). Invitae Evidence Modeling of protein sequence and biophysical properties (such as structural, functional, and spatial information, amino acid conservation, physicochemical variation, residue mobility, and thermodynamic stability) indicates that this missense variant is not expected to disrupt ATM protein function with a negative predictive value of 95%. In summary, the available evidence is currently insufficient to determine the role of this variant in disease. Therefore, it has been classified as a Variant of Uncertain Significance.

Color Diagnostics, LLC DBA Color Health
Classification: Uncertain significance for Hereditary cancer-predisposing syndrome. Last evaluated: 2020-12-07. Review status: criteria provided, single submitter. Criteria: ACMG Guidelines, 2015. Collection method: clinical testing. Allele origin: germline.
Comment: This missense variant replaces valine with leucine at codon 2115 of the ATM protein. Computational prediction suggests that this variant may not impact protein structure and function (internally defined REVEL score threshold <= 0.5, PMID: 27666373). To our knowledge, functional studies have not been reported for this variant. This variant has not been reported in individuals affected with hereditary cancer in the literature. This variant has been identified in 5/249350 chromosomes in the general population by the Genome Aggregation Database (gnomAD). The available evidence is insufficient to determine the role of this variant in disease conclusively. Therefore, this variant is classified as a Variant of Uncertain Significance.

Blueprint Genetics
Classification: Uncertain significance. Last evaluated: 2020-01-31. Review status: criteria provided, single submitter. Criteria: ACMG Guidelines, 2015. Collection method: clinical testing. Allele origin: germline.

Natera, Inc.
Classification: Uncertain significance for Ataxia-telangiectasia. Last evaluated: 2020-01-24. Review status: no assertion criteria provided. Collection method: clinical testing. Allele origin: germline. Not counted in ClinVar's aggregate classification.

NM_000051.4(ATM):c.6343G>C (p.Val2115Leu)

Genes: ATM (ATM serine/threonine kinase; plus strand), C11orf65 (chromosome 11 open reading frame 65; minus strand). Cytogenetic location: 11q22.3.
Variant type: single nucleotide variant.
Coding change: c.6343G>C on transcript NM_000051.4 (MANE Select); coding-DNA position 6343, G replaced by C.
Protein change: p.Val2115Leu; replaces valine 2115 with leucine.
Molecular consequence: missense variant. On other transcripts: intron variant (2).
Genome position (GRCh38, 1-based): chr11:108,317,517, G>C. VCF-style: chr11-108317517-G-C. GRCh37 (hg19) VCF-style: chr11-108188244-G-C.
Other names: c.6343G>C, p.Val2115Leu (NM_001351834.2); c.641-8446C>G (NM_001330368.2); c.*39-8446C>G (NM_001351110.2); short protein forms V2115L.
Identifiers: ClinVar variation 407461 (VCV000407461.22), dbSNP rs587780634, ClinGen allele CA6265908.